The following is an entry in ClinVar:

ClinVar aggregate classification (germline): Likely benign. Review status: criteria provided, multiple submitters, no conflicts (2 of 4 stars). 3 submissions from 3 submitters: Likely benign (3). Last evaluated 2026-08-12.

Conditions:
FLVCR1-related disorder. Also called: FLVCR1-related condition.

Allele frequency attached by ClinVar (database versions not stated): gnomAD 0.00001; gnomAD exomes 0.00001 and 0.00009; TOPMed 0.00005.
gnomAD v4.1: 18 of 1,437,982 alleles (0.0013%); highest among the groups gnomAD compares: Admixed American, 0.046%; no homozygotes.

Submissions (3):

PreventionGenetics, part of Exact Sciences
Classification: Likely benign for FLVCR1-related condition. Last evaluated: 2026-08-12. Review status: criteria provided, single submitter. Criteria: ACMG Guidelines, 2015. Collection method: clinical testing. Allele origin: germline.
Comment: This variant is classified as likely benign based on ACMG/AMP sequence variant interpretation guidelines (Richards et al. 2015 PMID: 25741868, with internal and published modifications).

Labcorp Genetics (formerly Invitae), Labcorp
Classification: Likely benign. Last evaluated: 2026-01-26. Review status: criteria provided, single submitter. Criteria: Invitae Variant Classification Sherloc (09022015). Collection method: clinical testing. Allele origin: germline.

Blueprint Genetics
Classification: Likely benign. Last evaluated: 2021-02-24. Review status: criteria provided, single submitter. Criteria: ACMG Guidelines, 2015. Collection method: clinical testing. Allele origin: germline.

NM_014053.4(FLVCR1):c.6G>A (p.Ala2=)

Gene: FLVCR1 (FLVCR choline and heme transporter 1; plus strand). Cytogenetic location: 1q32.3.
Variant type: single nucleotide variant.
Coding change: c.6G>A on transcript NM_014053.4 (MANE Select); coding-DNA position 6, G replaced by A.
Protein change: p.Ala2=; no amino-acid change (alanine 2 retained).
Molecular consequence: synonymous variant.
Genome position (GRCh38, 1-based): chr1:212,858,458, G>A. VCF-style: chr1-212858458-G-A. GRCh37 (hg19) VCF-style: chr1-213031800-G-A.
Other names: c.6G>A (NM_014053.3).
Identifiers: ClinVar variation 1124244 (VCV001124244.11), dbSNP rs1212330581, ClinGen allele CA423422354.